The following is an entry in ClinVar:

ClinVar aggregate classification (germline): Uncertain significance. Review status: criteria provided, multiple submitters, no conflicts (2 of 4 stars). 2 submissions from 2 submitters: Uncertain significance (2). Last evaluated 2022-11-01.

Conditions:
Autosomal recessive osteopetrosis 4. Also called: CLCN7-Related Osteopetrosis; infantile malignant CLCN7-related recessive osteopetrosis. Identifiers: Orphanet 667, MedGen C1969106, MONDO:0012676, OMIM 611490.

Submissions (2):

Labcorp Genetics (formerly Invitae), Labcorp
Classification: Uncertain significance. Last evaluated: 2022-11-01. Review status: criteria provided, single submitter. Criteria: Invitae Variant Classification Sherloc (09022015). Collection method: clinical testing. Allele origin: germline.
Comment: This sequence change replaces leucine, which is neutral and non-polar, with phenylalanine, which is neutral and non-polar, at codon 68 of the CLCN7 protein (p.Leu68Phe). This variant is not present in population databases (gnomAD no frequency). This variant has not been reported in the literature in individuals affected with CLCN7-related conditions. ClinVar contains an entry for this variant (Variation ID: 1401470). Advanced modeling of protein sequence and biophysical properties (such as structural, functional, and spatial information, amino acid conservation, physicochemical variation, residue mobility, and thermodynamic stability) performed at Invitae indicates that this missense variant is not expected to disrupt CLCN7 protein function. In summary, the available evidence is currently insufficient to determine the role of this variant in disease. Therefore, it has been classified as a Variant of Uncertain Significance.

Department of Pathology and Laboratory Medicine, Sinai Health System
Classification: Uncertain significance for autosomal recessive osteopetrosis 4. Last evaluated: 2021-07-30. Review status: criteria provided, single submitter. Criteria: ACMG Guidelines, 2015. Collection method: research. Allele origin: germline.

NM_001287.6(CLCN7):c.202C>T (p.Leu68Phe)

Gene: CLCN7 (Cl-/H+ antiporter 7; minus strand). Cytogenetic location: 16p13.3.
Variant type: single nucleotide variant.
Coding change: c.202C>T on transcript NM_001287.6 (MANE Select); coding-DNA position 202, C replaced by T.
Protein change: p.Leu68Phe; replaces leucine 68 with phenylalanine.
Molecular consequence: missense variant. On other transcripts: intron variant (1).
Genome position (GRCh38, 1-based): chr16:1,465,278, G>A on the plus strand (C>T on the coding strand, the complement: CLCN7 is on the minus strand). VCF-style: chr16-1465278-G-A. GRCh37 (hg19) VCF-style: chr16-1515279-G-A.
Other names: c.142-3604C>T (NM_001114331.3); short protein forms L68F.
Identifiers: ClinVar variation 1401470 (VCV001401470.9), dbSNP rs926749321, ClinGen allele CA276685858.